The following is an entry in ClinVar:

NM_006087.4(TUBB4A):c.338T>C (p.Val113Ala)

Gene: TUBB4A (tubulin beta 4A class IVa; minus strand). Cytogenetic location: 19p13.3.
Variant type: single nucleotide variant.
Coding change: c.338T>C on transcript NM_006087.4 (MANE Select); coding-DNA position 338, T replaced by C.
Protein change: p.Val113Ala; replaces valine 113 with alanine.
Molecular consequence: missense variant.
Genome position (GRCh38, 1-based): chr19:6,496,161, A>G on the plus strand (T>C on the coding strand, the complement: TUBB4A is on the minus strand). VCF-style: chr19-6496161-A-G. GRCh37 (hg19) VCF-style: chr19-6496172-A-G.
Other names: c.491T>C, p.Val164Ala (NM_001289123.2); c.473T>C, p.Val158Ala (NM_001289127.2); c.338T>C, p.Val113Ala (NM_001289129.2); c.122T>C, p.Val41Ala (NM_001289130.2, NM_001289131.2); short protein forms V113A, V158A, V164A, V41A.
Identifiers: ClinVar variation 3366111 (VCV003366111.2).

ClinVar aggregate classification (germline): Uncertain significance (1 of 4 stars; one submission).

Submission:

GeneDx
Classification: Uncertain significance. Last evaluated: 2026-03-06. Review status: criteria provided, single submitter. Criteria: GeneDx Variant Classification Process June 2021. Collection method: clinical testing. Allele origin: germline.
Comment: Not observed at significant frequency in large population cohorts (gnomAD); In silico analysis supports that this missense variant has a deleterious effect on protein structure/function; Has not been previously published as pathogenic or benign to our knowledge